The following is an entry in ClinVar:

ClinVar aggregate classification (germline): Uncertain significance (1 of 4 stars; one submission).

Conditions:
Autosomal dominant nocturnal frontal lobe epilepsy 5. Also called: Epilepsy, nocturnal frontal lobe, 5; KCNT1-Related Epilepsy; CILIARY DYSKINESIA, PRIMARY, 28, WITHOUT SITUS INVERSUS; CILIARY DYSKINESIA, PRIMARY, 28, WITH SITUS INVERSUS. Identifiers: Orphanet 98784, MedGen C3554306, MONDO:0014002, OMIM 615005.
Developmental and epileptic encephalopathy, 14 (DEE14). Also called: Early infantile epileptic encephalopathy 14. Identifiers: Orphanet 293181, MedGen C3554195, MONDO:0013989, OMIM 614959.

Submission:

Labcorp Genetics (formerly Invitae), Labcorp
Classification: Uncertain significance for Autosomal dominant nocturnal frontal lobe epilepsy 5; Developmental and epileptic encephalopathy, 14. Last evaluated: 2024-04-25. Review status: criteria provided, single submitter. Criteria: Invitae Variant Classification Sherloc (09022015). Collection method: clinical testing. Allele origin: germline.
Comment: This sequence change replaces arginine, which is basic and polar, with lysine, which is basic and polar, at codon 1057 of the KCNT1 protein (p.Arg1057Lys). This variant is not present in population databases (gnomAD no frequency). This variant has not been reported in the literature in individuals affected with KCNT1-related conditions. Advanced modeling of protein sequence and biophysical properties (such as structural, functional, and spatial information, amino acid conservation, physicochemical variation, residue mobility, and thermodynamic stability) performed at Invitae indicates that this missense variant is not expected to disrupt KCNT1 protein function with a negative predictive value of 95%. In summary, the available evidence is currently insufficient to determine the role of this variant in disease. Therefore, it has been classified as a Variant of Uncertain Significance.

NM_020822.3(KCNT1):c.3170G>A (p.Arg1057Lys)

Gene: KCNT1 (potassium sodium-activated channel subfamily T member 1; plus strand). Cytogenetic location: 9q34.3.
Variant type: single nucleotide variant.
Coding change: c.3170G>A on transcript NM_020822.3 (MANE Select); coding-DNA position 3170, G replaced by A.
Protein change: p.Arg1057Lys; replaces arginine 1057 with lysine.
Molecular consequence: missense variant.
Genome position (GRCh38, 1-based): chr9:135,785,323, G>A. VCF-style: chr9-135785323-G-A. GRCh37 (hg19) VCF-style: chr9-138677169-G-A.
Other names: c.3035G>A, p.Arg1012Lys (NM_001272003.2); short protein forms R1012K, R1057K.
Identifiers: ClinVar variation 3763808 (VCV003763808.2).